The following is an entry in ClinVar:

ClinVar aggregate classification (germline): Benign/Likely benign. Review status: criteria provided, multiple submitters, no conflicts (2 of 4 stars). 4 submissions from 4 submitters: Benign (1); Likely benign (3). Last evaluated 2025-07-30.

Conditions:
Hereditary cancer-predisposing syndrome. Also called: Tumor predisposition; Hereditary neoplastic syndrome; Neoplastic Syndromes, Hereditary; Hereditary Cancer Syndrome. Identifiers: Orphanet 140162, MedGen C0027672, MeSH D009386, MONDO:0015356.
Oligodontia-cancer predisposition syndrome. Also called: TOOTH AGENESIS-COLORECTAL CANCER SYNDROME. Identifiers: Orphanet 300576, MedGen C1837750, MONDO:0012075, OMIM 608615. Disease mechanism: loss of function.

gnomAD v4.1: 5 of 1,614,148 alleles (0.00031%); highest among the groups gnomAD compares: East Asian, 0.0022%; no homozygotes.

Submissions (4):

Labcorp Genetics (formerly Invitae), Labcorp
Classification: Likely benign for Oligodontia-cancer predisposition syndrome. Last evaluated: 2025-07-30. Review status: criteria provided, single submitter. Criteria: Invitae Variant Classification Sherloc (09022015). Collection method: clinical testing. Allele origin: germline.

Myriad Genetics, Inc.
Classification: Benign for Oligodontia-cancer predisposition syndrome. Last evaluated: 2024-06-27. Review status: criteria provided, single submitter. Criteria: Myriad Autosomal Dominant, Autosomal Recessive and X-Linked Classification Criteria (2023). Collection method: clinical testing. Allele origin: unknown.
Comment: This variant is considered benign. This variant is a silent/synonymous amino acid change and it is not expected to impact splicing.

Blueprint Genetics
Classification: Likely benign. Last evaluated: 2024-02-20. Review status: criteria provided, single submitter. Criteria: ACMG Guidelines, 2015. Collection method: clinical testing. Allele origin: germline.

Ambry Genetics
Classification: Likely benign for Hereditary cancer-predisposing syndrome. Last evaluated: 2021-06-17. Review status: criteria provided, single submitter. Criteria: Ambry Variant Classification Scheme 2023. Collection method: clinical testing. Allele origin: germline.

NM_004655.4(AXIN2):c.732G>A (p.Ser244=)

Gene: AXIN2 (axin 2; minus strand). Cytogenetic location: 17q24.1.
Variant type: single nucleotide variant.
Coding change: c.732G>A on transcript NM_004655.4 (MANE Select); coding-DNA position 732, G replaced by A.
Protein change: p.Ser244=; no amino-acid change (serine 244 retained).
Molecular consequence: synonymous variant.
Genome position (GRCh38, 1-based): chr17:65,557,889, C>T on the plus strand (G>A on the coding strand, the complement: AXIN2 is on the minus strand). VCF-style: chr17-65557889-C-T. GRCh37 (hg19) VCF-style: chr17-63554007-C-T.
Other names: c.732G>A, p.Ser244= (NM_001363813.1).
Identifiers: ClinVar variation 745403 (VCV000745403.14), dbSNP rs939121047, ClinGen allele CA501691350.